The following is an entry in ClinVar:

ClinVar aggregate classification (germline): Uncertain significance (1 of 4 stars; one submission).

Allele frequency attached by ClinVar (database versions not stated): gnomAD exomes below 0.00001; TOPMed below 0.00001.
gnomAD v4.1: 1 of 1,614,194 alleles (0.000062%); highest among the groups gnomAD compares: Non-Finnish European, 0.000085%; no homozygotes.

Submission:

Ambry Genetics
Classification: Uncertain significance. Last evaluated: 2024-02-20. Review status: criteria provided, single submitter. Criteria: Ambry Variant Classification Scheme 2023. Collection method: clinical testing. Allele origin: germline.
Comment: The p.T129I variant (also known as c.386C>T), located in coding exon 1 of the PALLD gene, results from a C to T substitution at nucleotide position 386. The threonine at codon 129 is replaced by isoleucine, an amino acid with similar properties. This amino acid position is conserved. In addition, this alteration is predicted to be tolerated by in silico analysis. Based on the available evidence, the clinical significance of this alteration remains unclear.

NM_001166108.2(PALLD):c.386C>T (p.Thr129Ile)

Gene: PALLD (palladin, cytoskeletal associated protein; plus strand). Cytogenetic location: 4q32.3.
Variant type: single nucleotide variant.
Coding change: c.386C>T on transcript NM_001166108.2 (MANE Select); coding-DNA position 386, C replaced by T.
Protein change: p.Thr129Ile; replaces threonine 129 with isoleucine.
Molecular consequence: missense variant.
Genome position (GRCh38, 1-based): chr4:168,511,890, C>T. VCF-style: chr4-168511890-C-T. GRCh37 (hg19) VCF-style: chr4-169433041-C-T.
Other names: c.386C>T, p.Thr129Ile (NM_016081.4); short protein forms T129I.
Identifiers: ClinVar variation 3226813 (VCV003226813.1), dbSNP rs1458607387, ClinGen allele CA358725720.
Genomic context (GRCh38, chr4:168,511,890, plus strand): 5'-AAACTAAGAGTATCTCTTCACCTGTTTCAAAGAGGAAACCTGCCATGTCACCCCTGCTCA[C>T]CAGGCCCAGCTACATCCGGAGCCTCCGAAAGGCTGAAAAGCGTGGTGCAAAAACTCCCAG-3'
Protein context (NP_001159580.1, residues 119-139): KRKPAMSPLL[Thr129Ile]RPSYIRSLRK